The following is an entry in ClinVar:

ClinVar aggregate classification (germline): Likely pathogenic (1 of 4 stars; one submission).

Conditions:
Nemaline myopathy 2 (NEM2). Also called: Nemaline myopathy 2, autosomal recessive. Identifiers: MedGen C1850569, MONDO:0009725, OMIM 256030.

Submission:

Myriad Genetics, Inc.
Classification: Likely pathogenic for Nemaline myopathy 2. Last evaluated: 2022-02-02. Review status: criteria provided, single submitter. Criteria: Myriad Women's Health Autosomal Recessive and X-Linked Classification Criteria (2021). Collection method: clinical testing. Allele origin: unknown.
Comment: NM_001271208.1(NEB):c.3338_3339ins5(H1113Qfs*5) is expected to be pathogenic in the context of NEB-related nemaline myopathy. This variant is predicted to lead to an abnormal or absent protein product due to the creation of a premature termination codon in NEB, a gene where loss-of-function variants are known to be pathogenic. Please note: this variant was assessed in the context of healthy population screening.

NM_001164508.2(NEB):c.3338_3339insATGTC (p.His1113fs)

Gene: NEB (nebulin; minus strand). Cytogenetic location: 2q23.3.
Variant type: Insertion.
Coding change: c.3338_3339insATGTC on transcript NM_001164508.2 (MANE Select); coding-DNA positions 3338 to 3339, ATGTC inserted.
Protein change: p.His1113fs; shifts the reading frame from histidine 1113.
Molecular consequence: frameshift variant.
Genome position: GRCh38 VCF-style: chr2-151678104-A-AGACAT. GRCh37 (hg19) VCF-style: chr2-152534618-A-AGACAT.
Other names: c.3338_3339insATGTC, p.His1113fs (NM_001164507.2, NM_001271208.2, NM_004543.5); short protein forms H1113fs.
Identifiers: ClinVar variation 1724265 (VCV001724265.2), dbSNP rs2552262728, ClinGen allele CA2580064149.